The following is an entry in ClinVar:

NM_000093.5(COL5A1):c.338A>G (p.Gln113Arg)

Gene: COL5A1 (collagen type V alpha 1 chain; plus strand). Cytogenetic location: 9q34.3.
Variant type: single nucleotide variant.
Coding change: c.338A>G on transcript NM_000093.5 (MANE Select); coding-DNA position 338, A replaced by G.
Protein change: p.Gln113Arg; replaces glutamine 113 with arginine.
Molecular consequence: missense variant.
Genome position (GRCh38, 1-based): chr9:134,699,969, A>G. VCF-style: chr9-134699969-A-G. GRCh37 (hg19) VCF-style: chr9-137591815-A-G.
Other names: c.338A>G, p.Gln113Arg (NM_001278074.1); c.338A>G (NM_000093.3); short protein forms Q113R.
Identifiers: ClinVar variation 2968747 (VCV002968747.4), dbSNP rs753420441, ClinGen allele CA5318281.

ClinVar aggregate classification (germline): Conflicting classifications of pathogenicity. Review status: criteria provided, conflicting classifications (1 of 4 stars). 2 submissions from 2 submitters: Uncertain significance (1); Benign (1). Last evaluated 2024-07-25.

Conditions:
Ehlers-Danlos syndrome, classic type, 1 (EDSCL1). Also called: EDS I; EHLERS-DANLOS SYNDROME, GRAVIS TYPE; EHLERS-DANLOS SYNDROME, SEVERE CLASSIC TYPE; Ehlers-Danlos syndrome, type 1; Ehlers-Danlos Syndrome, Classic Type, COL5A1-Related. Identifiers: MedGen C0268335, MONDO:0019567, OMIM 130000.

Allele frequency attached by ClinVar (database versions not stated): gnomAD exomes 0.00001; ExAC 0.00005; TOPMed below 0.00001.

Submissions (2):

Labcorp Genetics (formerly Invitae), Labcorp
Classification: Benign for Ehlers-Danlos syndrome, classic type, 1. Last evaluated: 2024-07-25. Review status: criteria provided, single submitter. Criteria: Invitae Variant Classification Sherloc (09022015). Collection method: clinical testing. Allele origin: germline.

GeneDx
Classification: Uncertain significance. Last evaluated: 2023-05-18. Review status: criteria provided, single submitter. Criteria: GeneDx Variant Classification Process June 2021. Collection method: clinical testing. Allele origin: germline. Affected: yes.
Comment: Has not been previously published as pathogenic or benign to our knowledge; In silico analysis supports that this missense variant has a deleterious effect on protein structure/function; Not located in the triple helical region, where the majority of pathogenic missense variants occur (Symoens et al., 2012; HGMD); This variant is associated with the following publications: (PMID: 22696272)